The following is an entry in ClinVar:

NM_000541.5(SAG):c.1207G>A (p.Val403Ile)

Gene: SAG (S-antigen visual arrestin; plus strand). Cytogenetic location: 2q37.1.
Variant type: single nucleotide variant.
Coding change: c.1207G>A on transcript NM_000541.5 (MANE Select); coding-DNA position 1207, G replaced by A.
Protein change: p.Val403Ile; replaces valine 403 with isoleucine.
Molecular consequence: missense variant.
Genome position (GRCh38, 1-based): chr2:233,346,901, G>A. VCF-style: chr2-233346901-G-A. GRCh37 (hg19) VCF-style: chr2-234255547-G-A.
Other names: short protein forms V403I.
Identifiers: ClinVar variation 194606 (VCV000194606.25), dbSNP rs1046974, ClinGen allele CA201256.
Genomic context (GRCh38, chr2:233,346,901, plus strand): 5'-GCTCGCCATAATCTGAAAGATGCAGGAGAAGCTGAGGAGGGGAAGAGAGACAAGAATGAC[G>A]TTGATGAGTGAAGATGTCGGCTCAGGATGCCGGAAAATGACCTGTAGTTACCAGTGCAAC-3'
Protein context (NP_000532.2, residues 393-405): AEEGKRDKND[Val403Ile]DE

ClinVar aggregate classification (germline): Benign. Review status: criteria provided, multiple submitters, no conflicts (2 of 4 stars). 9 submissions from 8 submitters: Benign (9). Last evaluated 2026-02-03.

Conditions:
Oguchi disease-1. Also called: Congenital stationary night blindness Oguchi type 1. Identifiers: MedGen C4551824, MONDO:0009775, OMIM 258100.
Retinal dystrophy. Also called: Inherited retinal dystrophy. Identifiers: Orphanet 71862, MedGen C0854723, MeSH D058499, MONDO:0019118, HP:0000556.
Retinitis pigmentosa (RP). Identifiers: Orphanet 791, MedGen C0035334, MeSH D012174, MONDO:0019200, OMIM 268000. Inheritance: Autosomal dominant, autosomal recessive and X linked inheritance.
Oguchi disease. Also called: Oguchi's disease. Identifiers: Orphanet 75382, MedGen C1306122, MONDO:0019152.

Allele frequency attached by ClinVar (database versions not stated): TOPMed 0.29671; 1000 Genomes Project 30x 0.29981; 1000 Genomes Project 0.30292; ESP Exome Variant Server 0.30821; gnomAD 0.30851 and 0.31550; gnomAD exomes 0.36690; ExAC 0.39092.
gnomAD v4.1: 624,881 of 1,599,442 alleles (39%); highest among the groups gnomAD compares: South Asian, 44%; 127,320 homozygotes.

Submissions (9):

Labcorp Genetics (formerly Invitae), Labcorp
Classification: Benign. Last evaluated: 2026-02-03. Review status: criteria provided, single submitter. Criteria: Invitae Variant Classification Sherloc (09022015). Collection method: clinical testing. Allele origin: germline.

Blueprint Genetics
Classification: Benign. Last evaluated: 2024-11-26. Review status: criteria provided, single submitter. Criteria: ACMG Guidelines, 2015. Collection method: clinical testing. Allele origin: germline.

Dept Of Ophthalmology, Nagoya University
Classification: Benign for Retinal dystrophy. Last evaluated: 2023-10-01. Review status: criteria provided, single submitter. Criteria: Submitter's publication. Collection method: research. Allele origin: germline. Affected: yes.

Genome-Nilou Lab
Classification: Benign for Oguchi disease-1. Last evaluated: 2021-11-07. Review status: criteria provided, single submitter. Criteria: ACMG Guidelines, 2015. Collection method: clinical testing. Allele origin: germline. Affected: no.

Illumina Laboratory Services, Illumina
Classification: Benign for Oguchi disease-1. Last evaluated: 2018-01-13. Review status: criteria provided, single submitter. Criteria: ICSL Variant Classification Criteria 13 December 2019. Collection method: clinical testing. Allele origin: germline.
Comment: This variant was observed in the ICSL laboratory as part of a predisposition screen in an ostensibly healthy population. It had not been previously curated by ICSL or reported in the Human Gene Mutation Database (HGMD: prior to June 1st, 2018), and was therefore a candidate for classification through an automated scoring system. Utilizing variant allele frequency, disease prevalence and penetrance estimates, and inheritance mode, an automated score was calculated to assess if this variant is too frequent to cause the disease. Based on the score and internal cut-off values, a variant classified as benign is not then subjected to further curation. The score for this variant resulted in a classification of benign for this disease.

Illumina Laboratory Services, Illumina
Classification: Benign for Retinitis pigmentosa. Last evaluated: 2018-01-13. Review status: criteria provided, single submitter. Criteria: ICSL Variant Classification Criteria 13 December 2019. Collection method: clinical testing. Allele origin: germline.
Comment: the same text as in the submission from Illumina Laboratory Services, Illumina above.

GeneDx
Classification: Benign. Last evaluated: 2015-03-03. Review status: criteria provided, single submitter. Criteria: GeneDx Variant Classification Process June 2021. Collection method: clinical testing. Allele origin: germline. Affected: yes.

Eurofins Ntd Llc (ga)
Classification: Benign. Last evaluated: 2014-11-15. Review status: criteria provided, single submitter. Criteria: EGL Classification Definitions 2015. Collection method: clinical testing. Allele origin: germline. Observed: 1 variant allele, 1 homozygote.

Breakthrough Genomics
Classification: Benign. Review status: criteria provided, single submitter. Criteria: ACMG Guidelines, 2015. Collection method: not provided. Allele origin: germline. Inheritance: Autosomal recessive inheritance. Affected: yes.